The following is an entry in ClinVar:

ClinVar aggregate classification (germline): Likely pathogenic (1 of 4 stars; one submission).

Conditions:
Hereditary diffuse gastric adenocarcinoma (HDGC). Also called: DIFFUSE GASTRIC AND LOBULAR BREAST CANCER SYNDROME. Identifiers: Orphanet 26106, MedGen C1708349, MONDO:0007648, OMIM 137215.

Submission:

Labcorp Genetics (formerly Invitae), Labcorp
Classification: Likely pathogenic for Hereditary diffuse gastric adenocarcinoma. Last evaluated: 2022-05-04. Review status: criteria provided, single submitter. Criteria: Invitae Variant Classification Sherloc (09022015). Collection method: clinical testing. Allele origin: germline.
Comment: This variant is a gross deletion of the genomic region encompassing exon(s) 12-13 of the CDH1 gene. This variant would be expected to be in-frame, preserving the integrity of the reading frame. This variant has not been reported in the literature in individuals affected with CDH1-related conditions. This variant disrupts the p.Ala634 amino acid residue in CDH1. Other variant(s) that disrupt this residue have been determined to be pathogenic (PMID: 12588804, 15288293, 15735979, 17221870, 17545690, 19268662, 22850631, 24493355, 25388006; Invitae). This suggests that this residue is clinically significant, and that variants that disrupt this residue are likely to be disease-causing. In summary, the currently available evidence indicates that the variant is pathogenic, but additional data are needed to prove that conclusively. Therefore, this variant has been classified as Likely Pathogenic.

Literature cited by the submitters: PubMed 12588804; PubMed 15288293; PubMed 15735979; PubMed 17221870; PubMed 17545690; PubMed 19268662; PubMed 22850631; PubMed 24493355; PubMed 25388006.

NC_000016.9:g.(?_68855894)_(68857539_?)del

Gene: CDH1 (cadherin 1; plus strand). Cytogenetic location: 16q22.1.
Variant type: Deletion.
Identifiers: ClinVar variation 1512502 (VCV001512502.7).